The following is an entry in ClinVar:

ClinVar aggregate classification (germline): Uncertain significance (1 of 4 stars; one submission).

Submission:

Labcorp Genetics (formerly Invitae), Labcorp
Classification: Uncertain significance. Last evaluated: 2025-10-21. Review status: criteria provided, single submitter. Criteria: Invitae Variant Classification Sherloc (09022015). Collection method: clinical testing. Allele origin: germline.
Comment: This sequence change replaces proline, which is neutral and non-polar, with threonine, which is neutral and polar, at codon 1320 of the DCHS1 protein (p.Pro1320Thr). This variant is not present in population databases (gnomAD no frequency). This variant has not been reported in the literature in individuals affected with DCHS1-related conditions. Invitae Evidence Modeling of protein sequence and biophysical properties (such as structural, functional, and spatial information, amino acid conservation, physicochemical variation, residue mobility, and thermodynamic stability) indicates that this missense variant is not expected to disrupt DCHS1 protein function with a negative predictive value of 80%. In summary, the available evidence is currently insufficient to determine the role of this variant in disease. Therefore, it has been classified as a Variant of Uncertain Significance.

NM_003737.4(DCHS1):c.3958C>A (p.Pro1320Thr)

Gene: DCHS1 (dachsous cadherin-related 1; minus strand). Cytogenetic location: 11p15.4.
Variant type: single nucleotide variant.
Coding change: c.3958C>A on transcript NM_003737.4 (MANE Select); coding-DNA position 3958, C replaced by A.
Protein change: p.Pro1320Thr; replaces proline 1320 with threonine.
Molecular consequence: missense variant.
Genome position (GRCh38, 1-based): chr11:6,630,836, G>T on the plus strand (C>A on the coding strand, the complement: DCHS1 is on the minus strand). VCF-style: chr11-6630836-G-T. GRCh37 (hg19) VCF-style: chr11-6652067-G-T.
Other names: short protein forms P1320T.
Identifiers: ClinVar variation 4797160 (VCV004797160.1).
Genomic context (GRCh38, chr11:6,630,836, plus strand): 5'-TCACCGTCAGCACGACAGGCACTGGTGCCGCTGGGTCCCGCTCTGCGAGATCTGGGGGCG[G>T]CTCGGCCAAGCGAGCTGAGGGAAGCACCTGTTGTGGACCGGGGAGGGAGAACAGAATTGT-3'
Protein context (NP_003728.1, residues 1310-1330): QVLPSARLAE[Pro1320Thr]PPDLAERDPA